The following is an entry in ClinVar:

NM_198428.3(BBS9):c.195C>T (p.Ala65=)

Gene: BBS9 (Bardet-Biedl syndrome 9; plus strand). Cytogenetic location: 7p14.3.
Variant type: single nucleotide variant.
Coding change: c.195C>T on transcript NM_198428.3 (MANE Select); coding-DNA position 195, C replaced by T.
Protein change: p.Ala65=; no amino-acid change (alanine 65 retained).
Molecular consequence: synonymous variant. On other transcripts: 5 prime UTR variant (4), non-coding transcript variant (3), intron variant (2).
Genome position (GRCh38, 1-based): chr7:33,152,783, C>T. VCF-style: chr7-33152783-C-T. GRCh37 (hg19) VCF-style: chr7-33192395-C-T.
Other names: c.195C>T, p.Ala65= (NM_001033604.2, NM_001033605.2, NM_001348036.1 and 5 more transcripts); c.-107C>T (NM_001348037.3, NM_001348045.3); c.-83C>T (NM_001348038.3, NM_001348039.3); c.60C>T, p.Ala20= (NM_001348042.3); c.-39+22742C>T (NM_001348046.3, NM_001348044.3).
Identifiers: ClinVar variation 695552 (VCV000695552.17), dbSNP rs373063776, ClinGen allele CA4213895.
Genomic context (GRCh38, chr7:33,152,783, plus strand): 5'-TATGGGATACCTAAGGATCTTTAGCCCCCATCCTGCAAAAACAGGAGATGGAGCTCAAGC[C>T]GAAGATTTGCTTCTAGAAGTGGATCTACGAGATCCAGTACTTCAAGTGGAAGTAGGAAAG-3'
Protein context (NP_940820.1, residues 55-75): HPAKTGDGAQ[Ala65=]EDLLLEVDLR

ClinVar aggregate classification (germline): Conflicting classifications of pathogenicity. Review status: criteria provided, conflicting classifications (1 of 4 stars). 4 submissions from 4 submitters: Uncertain significance (1); Likely benign (2). 1 of the submissions does not count toward it. Last evaluated 2026-01-13.

Conditions:
Bardet-Biedl syndrome (BBS). Identifiers: Orphanet 110, MedGen C0752166, MONDO:0015229.
BBS9-related disorder. Also called: BBS9-related condition.
Bardet-Biedl syndrome 9 (BBS9). Identifiers: Orphanet 110, MedGen C1859567, MONDO:0014437, OMIM 615986.

Allele frequency attached by ClinVar (database versions not stated): gnomAD 0.00010; ESP Exome Variant Server 0.00015; TOPMed 0.00008.
gnomAD v4.1: 177 of 1,613,392 alleles (0.011%); highest among the groups gnomAD compares: Middle Eastern, 0.033%; no homozygotes.

Submissions (4):

Labcorp Genetics (formerly Invitae), Labcorp
Classification: Likely benign for Bardet-Biedl syndrome. Last evaluated: 2026-01-13. Review status: criteria provided, single submitter. Criteria: Invitae Variant Classification Sherloc (09022015). Collection method: clinical testing. Allele origin: germline.

Blueprint Genetics
Classification: Likely benign. Last evaluated: 2024-11-14. Review status: criteria provided, single submitter. Criteria: ACMG Guidelines, 2015. Collection method: clinical testing. Allele origin: germline.

Illumina Laboratory Services, Illumina
Classification: Uncertain significance for Bardet-Biedl syndrome 9. Last evaluated: 2018-01-13. Review status: criteria provided, single submitter. Criteria: ICSL Variant Classification Criteria 13 December 2019. Collection method: clinical testing. Allele origin: germline.

PreventionGenetics, part of Exact Sciences
Classification: Likely benign for BBS9-related condition. Last evaluated: 2020-07-17. Review status: no assertion criteria provided. Collection method: clinical testing. Allele origin: germline. Not counted in ClinVar's aggregate classification.
Comment: This variant is classified as likely benign based on ACMG/AMP sequence variant interpretation guidelines (Richards et al. 2015 PMID: 25741868, with internal and published modifications).